The following is an entry in ClinVar:

NM_001283009.2(RTEL1):c.1383_1386del (p.His462fs)

Genes: RTEL1 (regulator of telomere elongation helicase 1; plus strand), RTEL1-TNFRSF6B (RTEL1-TNFRSF6B readthrough (NMD candidate); plus strand). Cytogenetic location: 20q13.33.
Variant type: Deletion.
Coding change: c.1383_1386del on transcript NM_001283009.2 (MANE Select); coding-DNA positions 1383 to 1386, 4 bases deleted (CCAC; older notation c.1383_1386delCCAC).
Protein change: p.His462fs; shifts the reading frame from histidine 462.
Molecular consequence: frameshift variant. On other transcripts: non-coding transcript variant (1).
Genome position (GRCh38, 1-based): chr20:63,687,672-63,687,675, CCAC deleted. VCF-style (leftmost placement, unchanged base first): chr20-63687671-GCCAC-G. GRCh37 (hg19) VCF-style: chr20-62319024-GCCAC-G.
Other names: c.714_717del, p.His239fs (NM_001283010.1); c.1383_1386del, p.His462fs (NM_016434.4); c.1455_1458del, p.His486fs (NM_032957.5); short protein forms H239fs, H462fs, H486fs.
Identifiers: ClinVar variation 4816344 (VCV004816344.1).

ClinVar aggregate classification (germline): Likely pathogenic (1 of 4 stars; one submission).

Conditions:
Dyskeratosis congenita. Identifiers: Orphanet 1775, MedGen C0265965, MONDO:0015780.

Submission:

Natera, Inc.
Classification: Likely pathogenic for Dyskeratosis congenita. Last evaluated: 2025-09-22. Review status: criteria provided, single submitter. Criteria: Natera Variant Classification Schema (03/2026). Collection method: clinical testing. Allele origin: germline.
Comment: The c.1455_1458del variant in RTEL1 is a frameshift variant predicted to shift the reading frame beginning at codon 486 and leads to a stop codon 63 codons downstream. This variant is expected to result in nonsense mediated decay, truncation, or a dysfunctional protein product. This variant is rare in the general population with a frequency below the threshold expected for the associated phenotype(s). Given the available evidence, this variant is classified as Likely Pathogenic.